The following is an entry in ClinVar:

ClinVar aggregate classification (germline): Uncertain significance (1 of 4 stars; one submission).

Allele frequency attached by ClinVar (database versions not stated): gnomAD 0.00001; gnomAD exomes 0.00001.
gnomAD v4.1: 4 of 1,608,708 alleles (0.00025%); highest among the groups gnomAD compares: East Asian, 0.0067%; no homozygotes.

Submission:

Labcorp Genetics (formerly Invitae), Labcorp
Classification: Uncertain significance. Last evaluated: 2022-06-07. Review status: criteria provided, single submitter. Criteria: Invitae Variant Classification Sherloc (09022015). Collection method: clinical testing. Allele origin: germline.
Comment: This sequence change replaces phenylalanine, which is neutral and non-polar, with leucine, which is neutral and non-polar, at codon 1370 of the ALPK3 protein (p.Phe1370Leu). This variant is present in population databases (no rsID available, gnomAD 0.02%). This variant has not been reported in the literature in individuals affected with ALPK3-related conditions. Algorithms developed to predict the effect of missense changes on protein structure and function are either unavailable or do not agree on the potential impact of this missense change (SIFT: "Deleterious"; PolyPhen-2: "Benign"; Align-GVGD: "Class C0"). In summary, the available evidence is currently insufficient to determine the role of this variant in disease. Therefore, it has been classified as a Variant of Uncertain Significance.

NM_020778.5(ALPK3):c.3502T>C (p.Phe1168Leu)

Gene: ALPK3 (alpha kinase 3; plus strand). Cytogenetic location: 15q25.3.
Variant type: single nucleotide variant.
Coding change: c.3502T>C on transcript NM_020778.5 (MANE Select); coding-DNA position 3502, T replaced by C.
Protein change: p.Phe1168Leu; replaces phenylalanine 1168 with leucine.
Molecular consequence: missense variant.
Genome position (GRCh38, 1-based): chr15:84,858,240, T>C. VCF-style: chr15-84858240-T-C. GRCh37 (hg19) VCF-style: chr15-85401471-T-C.
Other names: short protein forms F1168L.
Identifiers: ClinVar variation 2092170 (VCV002092170.4), dbSNP rs1309023128, ClinGen allele CA393360389.